The following is an entry in ClinVar:

ClinVar aggregate classification (germline): Pathogenic. Review status: criteria provided, multiple submitters, no conflicts (2 of 4 stars). 12 submissions from 11 submitters: Pathogenic (8). 4 of the submissions do not count toward it. Last evaluated 2025-12-04.

Conditions:
MFSD8-related disorders.
Inborn genetic diseases. Identifiers: MedGen C0950123, MeSH D030342.
Neuronal ceroid lipofuscinosis 7 (CLN7). Also called: MFSD8-Related Neuronal Ceroid-Lipofuscinosis. Identifiers: Orphanet 168491, Orphanet 228366, MedGen C1838571, MONDO:0012588, OMIM 610951.
Macular dystrophy with central cone involvement (CCMD). Identifiers: MedGen C4015371, MONDO:0014515, OMIM 616170.
Late-infantile neuronal ceroid lipofuscinosis. Also called: Jansky-Bielschowsky disease. Identifiers: MedGen C0022340, MONDO:0015674.

Allele frequency attached by ClinVar (database versions not stated): gnomAD exomes below 0.00001 and 0.00002; ExAC 0.00001; gnomAD 0.00001; TOPMed 0.00001.
gnomAD v4.1: 26 of 1,613,998 alleles (0.0016%); highest among the groups gnomAD compares: Non-Finnish European, 0.002%; no homozygotes.

Submissions (12):

Natera, Inc.
Classification: Pathogenic for Late-infantile neuronal ceroid lipofuscinosis. Last evaluated: 2025-12-04. Review status: criteria provided, single submitter. Criteria: Natera Variant Classification Schema (03/2026). Collection method: clinical testing. Allele origin: germline.
Comment: The c.1141G>T variant in MFSD8 is a nonsense variant predicted to introduce a stop codon at amino acid 381. This variant is expected to result in nonsense mediated decay, truncation, or a dysfunctional protein product. This variant is rare in the general population with a frequency below the threshold expected for the associated phenotype(s). This variant has been observed in one or more individuals affected with the associated recessive disease, as either homozygous or compound heterozygous with a second variant (PMID: 19177532). Given the available evidence, this variant is classified as Pathogenic.

Labcorp Genetics (formerly Invitae), Labcorp
Classification: Pathogenic for Neuronal ceroid lipofuscinosis 7. Last evaluated: 2024-03-15. Review status: criteria provided, single submitter. Criteria: Invitae Variant Classification Sherloc (09022015). Collection method: clinical testing. Allele origin: germline.
Comment: This sequence change creates a premature translational stop signal (p.Glu381*) in the MFSD8 gene. It is expected to result in an absent or disrupted protein product. Loss-of-function variants in MFSD8 are known to be pathogenic (PMID: 19177532, 25227500, 28586915). This variant is present in population databases (rs724159970, gnomAD 0.004%). This premature translational stop signal has been observed in individual(s) with neuronal ceroid lipofuscinoses and macular dystrophy with central cone involvement (PMID: 19177532, 25227500). It has also been observed to segregate with disease in related individuals. ClinVar contains an entry for this variant (Variation ID: 162379). For these reasons, this variant has been classified as Pathogenic.

Blueprint Genetics
Classification: Pathogenic for MFSD8-related disorders. Last evaluated: 2024-02-26. Review status: criteria provided, single submitter. Criteria: ACMG Guidelines, 2015. Collection method: clinical testing. Allele origin: germline. Affected: yes. Observed: 1 variant allele.

Fulgent Genetics
Classification: Pathogenic for Neuronal ceroid lipofuscinosis 7; Macular dystrophy with central cone involvement. Last evaluated: 2022-02-24. Review status: criteria provided, single submitter. Criteria: ACMG Guidelines, 2015. Collection method: clinical testing. Allele origin: unknown.

GeneDx
Classification: Pathogenic. Last evaluated: 2020-10-22. Review status: criteria provided, single submitter. Criteria: GeneDx Variant Classification Process June 2021. Collection method: clinical testing. Allele origin: germline. Affected: yes.
Comment: Reported in a family with macular dystrophy who had a second MFSD8 missense variant identified; however, none of the affected individuals had any symptoms of neural ceroid lipofuscinosis (NCL) (Roosing et al., 2015); Not observed at a significant frequency in large population cohorts (Lek et al., 2016); Nonsense variant predicted to result in protein truncation or nonsense mediated decay in a gene for which loss-of-function is a known mechanism of disease; This variant is associated with the following publications: (PMID: 25525159, 19177532, 25227500, 31589614)

Ambry Genetics
Classification: Pathogenic for Inborn genetic diseases. Last evaluated: 2020-04-27. Review status: criteria provided, single submitter. Criteria: Ambry Variant Classification Scheme 2023. Collection method: clinical testing. Allele origin: germline.
Comment: The p.E381* pathogenic mutation (also known as c.1141G>T), located in coding exon 11 of the MFSD8 gene, results from a G to T substitution at nucleotide position 1141. This changes the amino acid from a glutamic acid to a stop codon within coding exon 11. This variant was reported in an individual with variant late infantile neuronal ceroid lipofuscinosis, who had an additional MFSD8 nonsense variant also detected, although phase information (cis or trans) was not provided (Aiello C et al. Hum. Mutat., 2009 Mar;30:E530-40). This variant was also detected in a family with macular dystrophy where affected family members had p.E381* and an additional MFSD8 missense variant detected in trans (Roosing S et al. Ophthalmology, 2015 Jan;122:170-9). In addition to the clinical data presented in the literature, this alteration is expected to result in loss of function by premature protein truncation or nonsense-mediated mRNA decay. As such, this alteration is interpreted as a disease-causing mutation.

Revvity Omics, Revvity
Classification: Pathogenic. Last evaluated: 2020-03-23. Review status: criteria provided, single submitter. Criteria: ACMG Guidelines, 2015. Collection method: clinical testing. Allele origin: germline.

Baylor Genetics
Classification: Pathogenic for Macular dystrophy with central cone involvement. Last evaluated: 2018-04-11. Review status: criteria provided, single submitter. Criteria: ACMG Guidelines, 2015. Collection method: clinical testing. Allele origin: maternal. Affected: yes.
Comment: This variant was determined to be pathogenic according to ACMG Guidelines, 2015 [PMID:25741868]. This variant has been previously reported in patients with neuronal ceroid lipofuscinoses and macular dystrophy [PMID 19177532, 25227500]

OMIM
Classification: Pathogenic for CEROID LIPOFUSCINOSIS, NEURONAL, 7. Last evaluated: 2015-01-01. Review status: no assertion criteria provided. Collection method: literature only. Allele origin: germline. Not counted in ClinVar's aggregate classification.

OMIM
Classification: Pathogenic for MACULAR DYSTROPHY WITH CENTRAL CONE INVOLVEMENT. Last evaluated: 2015-01-01. Review status: no assertion criteria provided. Collection method: literature only. Allele origin: germline. Not counted in ClinVar's aggregate classification.

Clinical Genetics DNA and cytogenetics Diagnostics Lab, Erasmus MC, Erasmus Medical Center
Classification: Pathogenic. Review status: no assertion criteria provided. Collection method: clinical testing. Allele origin: germline. Affected: yes. Study: VKGL Data-share Consensus. Not counted in ClinVar's aggregate classification.

Joint Genome Diagnostic Labs from Nijmegen and Maastricht, Radboudumc and MUMC+
Classification: Pathogenic. Review status: no assertion criteria provided. Collection method: clinical testing. Allele origin: germline. Affected: yes. Study: VKGL Data-share Consensus. Not counted in ClinVar's aggregate classification.

Literature cited by the submitters: PubMed 19177532 (cited by 5 submitters); PubMed 25227500 (cited by 4 submitters); PubMed 28586915 (cited by Labcorp Genetics (formerly Invitae), Labcorp).

NM_001371596.2(MFSD8):c.1141G>T (p.Glu381Ter)

Gene: MFSD8 (major facilitator superfamily domain containing 8; minus strand). Cytogenetic location: 4q28.2.
Variant type: single nucleotide variant.
Coding change: c.1141G>T on transcript NM_001371596.2 (MANE Select); coding-DNA position 1141, G replaced by T.
Protein change: p.Glu381Ter; replaces glutamic acid 381 with a stop codon.
Molecular consequence: nonsense.
Genome position (GRCh38, 1-based): chr4:127,921,733, C>A on the plus strand (G>T on the coding strand, the complement: MFSD8 is on the minus strand). VCF-style: chr4-127921733-C-A. GRCh37 (hg19) VCF-style: chr4-128842888-C-A.
Other names: c.940G>T, p.Glu314Ter (NM_001363520.3); c.826G>T, p.Glu276Ter (NM_001363521.3); c.1006G>T, p.Glu336Ter (NM_001371590.2); c.1141G>T, p.Glu381Ter (NM_001371591.2, NM_152778.4); c.1147G>T, p.Glu383Ter (NM_001371592.2); c.1027G>T, p.Glu343Ter (NM_001371593.2); c.994G>T, p.Glu332Ter (NM_001371594.2); c.859G>T, p.Glu287Ter (NM_001371595.1); and 2 more; short protein forms E381*, E314*, E276*, E287*, E332*, E336*, E343*, E383*.
Identifiers: ClinVar variation 162379 (VCV000162379.25), dbSNP rs724159970, ClinGen allele CA175006.